The following is an entry in ClinVar:

NM_001278669.2(NFATC1):c.2239G>A (p.Gly747Ser)

Gene: NFATC1 (nuclear factor of activated T cells 1; plus strand). Cytogenetic location: 18q23.
Variant type: single nucleotide variant.
Coding change: c.2239G>A on transcript NM_001278669.2 (MANE Select); coding-DNA position 2239, G replaced by A.
Protein change: p.Gly747Ser; replaces glycine 747 with serine.
Molecular consequence: missense variant. On other transcripts: intron variant (2).
Genome position (GRCh38, 1-based): chr18:79,486,394, G>A. VCF-style: chr18-79486394-G-A. GRCh37 (hg19) VCF-style: chr18-77246394-G-A.
Other names: c.823G>A, p.Gly275Ser (NM_001278673.2, NM_172388.3); c.2239G>A, p.Gly747Ser (NM_006162.5); c.2200G>A, p.Gly734Ser (NM_172387.3, NM_172389.3); c.2092+18812G>A (NM_001278670.2); c.2053+18812G>A (NM_001278672.2); c.2239G>A (NM_001278669.1); short protein forms G275S, G747S, G734S.
Identifiers: ClinVar variation 2039153 (VCV002039153.6), dbSNP rs139715685, ClinGen allele CA9009569.

ClinVar aggregate classification (germline): Benign. Review status: criteria provided, single submitter (1 of 4 stars). 2 submissions from 2 submitters: Benign (1). 1 of the submissions does not count toward it. Last evaluated 2025-12-23.

Conditions:
NFATC1-related disorder. Also called: NFATC1-related condition.

Allele frequency attached by ClinVar (database versions not stated): 1000 Genomes Project 30x 0.00031; 1000 Genomes Project 0.00040; gnomAD 0.00086; TOPMed 0.00099; ESP Exome Variant Server 0.00108; ExAC 0.00116.
gnomAD v4.1: 1,587 of 1,612,804 alleles (0.098%); highest among the groups gnomAD compares: Middle Eastern, 2.5%; 12 homozygotes.

Submissions (2):

Labcorp Genetics (formerly Invitae), Labcorp
Classification: Benign. Last evaluated: 2025-12-23. Review status: criteria provided, single submitter. Criteria: Invitae Variant Classification Sherloc (09022015). Collection method: clinical testing. Allele origin: germline.

PreventionGenetics, part of Exact Sciences
Classification: Benign for NFATC1-related condition. Last evaluated: 2019-02-21. Review status: no assertion criteria provided. Collection method: clinical testing. Allele origin: germline. Not counted in ClinVar's aggregate classification.
Comment: This variant is classified as benign based on ACMG/AMP sequence variant interpretation guidelines (Richards et al. 2015 PMID: 25741868, with internal and published modifications).